The following is an entry in ClinVar:

NM_003072.5(SMARCA4):c.35C>T (p.Pro12Leu)

Gene: SMARCA4 (SWI/SNF related BAF chromatin remodeling complex subunit ATPase 4; plus strand). Cytogenetic location: 19p13.2.
Variant type: single nucleotide variant.
Coding change: c.35C>T on transcript NM_003072.5 (MANE Select); coding-DNA position 35, C replaced by T.
Protein change: p.Pro12Leu; replaces proline 12 with leucine.
Molecular consequence: missense variant. On other transcripts: non-coding transcript variant (1).
Genome position (GRCh38, 1-based): chr19:10,984,186, C>T. VCF-style: chr19-10984186-C-T. GRCh37 (hg19) VCF-style: chr19-11094862-C-T.
Other names: c.35C>T, p.Pro12Leu (NM_001128844.3, NM_001128845.2, NM_001128846.2 and 5 more transcripts); short protein forms P12L.
Identifiers: ClinVar variation 484944 (VCV000484944.19), dbSNP rs1201812441, ClinGen allele CA404053937.

ClinVar aggregate classification (germline): Uncertain significance. Review status: criteria provided, multiple submitters, no conflicts (2 of 4 stars). 4 submissions from 4 submitters: Uncertain significance (4). Last evaluated 2026-04-29.

Conditions:
Hereditary cancer-predisposing syndrome. Also called: Tumor predisposition; Hereditary neoplastic syndrome; Neoplastic Syndromes, Hereditary; Hereditary Cancer Syndrome. Identifiers: Orphanet 140162, MedGen C0027672, MeSH D009386, MONDO:0015356.
Intellectual disability, autosomal dominant 16 (CSS4). Also called: COFFIN-SIRIS SYNDROME 4. Identifiers: Orphanet 1465, MedGen C3553249, MONDO:0013821, OMIM 614609.
Rhabdoid tumor predisposition syndrome 2 (RTPS2). Identifiers: Orphanet 231108, Orphanet 69077, MedGen C2750074, MONDO:0013224, OMIM 613325.

Allele frequency attached by ClinVar (database versions not stated): gnomAD 0.00001; TOPMed 0.00005; gnomAD exomes below 0.00001.
gnomAD v4.1: 4 of 1,613,388 alleles (0.00025%); highest among the groups gnomAD compares: African/African-American, 0.0053%; no homozygotes.

Submissions (4):

Ambry Genetics
Classification: Uncertain significance for Hereditary cancer-predisposing syndrome. Last evaluated: 2026-04-29. Review status: criteria provided, single submitter. Criteria: Ambry Variant Classification Scheme 2023. Collection method: clinical testing. Allele origin: germline.
Comment: The p.P12L variant (also known as c.35C>T), located in coding exon 1 of the SMARCA4 gene, results from a C to T substitution at nucleotide position 35. The proline at codon 12 is replaced by leucine, an amino acid with similar properties. This amino acid position is highly conserved in available vertebrate species. In addition, the in silico prediction for this alteration is inconclusive. This variant has been detected in multiple individuals with no reported features of Coffin-Siris syndrome (Ambry internal data). Based on the supporting evidence, the association of this alteration with rhabdoid tumor predisposition syndrome is unknown; however, the association of this alteration with Coffin-Siris syndrome is unlikely.

Labcorp Genetics (formerly Invitae), Labcorp
Classification: Uncertain significance for Rhabdoid tumor predisposition syndrome 2. Last evaluated: 2025-09-14. Review status: criteria provided, single submitter. Criteria: Invitae Variant Classification Sherloc (09022015). Collection method: clinical testing. Allele origin: germline.
Comment: This sequence change replaces proline, which is neutral and non-polar, with leucine, which is neutral and non-polar, at codon 12 of the SMARCA4 protein (p.Pro12Leu). This variant is present in population databases (no rsID available, gnomAD 0.007%). This variant has not been reported in the literature in individuals affected with SMARCA4-related conditions. ClinVar contains an entry for this variant (Variation ID: 484944). Invitae Evidence Modeling of protein sequence and biophysical properties (such as structural, functional, and spatial information, amino acid conservation, physicochemical variation, residue mobility, and thermodynamic stability) has been performed for this missense variant. However, the output from this modeling did not meet the statistical confidence thresholds required to predict the impact of this variant on SMARCA4 protein function. In summary, the available evidence is currently insufficient to determine the role of this variant in disease. Therefore, it has been classified as a Variant of Uncertain Significance.

Baylor Genetics
Classification: Uncertain significance for Rhabdoid tumor predisposition syndrome 2. Last evaluated: 2024-02-22. Review status: criteria provided, single submitter. Criteria: ACMG Guidelines, 2015. Collection method: clinical testing. Allele origin: unknown.

Genome-Nilou Lab
Classification: Uncertain significance for Intellectual disability, autosomal dominant 16. Last evaluated: 2021-07-15. Review status: criteria provided, single submitter. Criteria: ACMG Guidelines, 2015. Collection method: clinical testing. Allele origin: germline. Affected: no.